The following is an entry in ClinVar:

NM_001271.4(CHD2):c.4592+4A>G

Gene: CHD2 (chromodomain helicase DNA binding protein 2; plus strand). Cytogenetic location: 15q26.1.
Variant type: single nucleotide variant.
Coding change: c.4592+4A>G on transcript NM_001271.4 (MANE Select); 4 bases into the intron after coding-DNA position 4592, A replaced by G.
Molecular consequence: intron variant.
Genome position (GRCh38, 1-based): chr15:93,009,327, A>G. VCF-style: chr15-93009327-A-G. GRCh37 (hg19) VCF-style: chr15-93552557-A-G.
Identifiers: ClinVar variation 1053102 (VCV001053102.9), dbSNP rs1450865656, ClinGen allele CA619862838.
Genomic context (GRCh38, chr15:93,009,327, plus strand): 5'-GATAGCCGAGTGCCTTAAAGCCTACTCAGATCAGGAGCACATCAAACTCTGGAGGAGGTA[A>G]CCACTTTGGCCTCGTCTGCCCAGTTTGATTTGACTGAGTGTGGGAGTGGATTCTGTTTTC-3'

ClinVar aggregate classification (germline): Uncertain significance (1 of 4 stars; one submission).

Conditions:
Developmental and epileptic encephalopathy 94 (DEE94). Also called: CHD2-Related Neurodevelopmental Disorders; Epileptic encephalopathy, childhood-onset. Identifiers: Orphanet 1942, Orphanet 2382, MedGen C3809278, MONDO:0014150, OMIM 615369.

Allele frequency attached by ClinVar (database versions not stated): TOPMed below 0.00001.

Submission:

Labcorp Genetics (formerly Invitae), Labcorp
Classification: Uncertain significance for Developmental and epileptic encephalopathy 94. Last evaluated: 2022-04-13. Review status: criteria provided, single submitter. Criteria: Invitae Variant Classification Sherloc (09022015). Collection method: clinical testing. Allele origin: germline.
Comment: This sequence change falls in intron 35 of the CHD2 gene. It does not directly change the encoded amino acid sequence of the CHD2 protein. It affects a nucleotide within the consensus splice site. This variant is not present in population databases (gnomAD no frequency). This variant has not been reported in the literature in individuals affected with CHD2-related conditions. ClinVar contains an entry for this variant (Variation ID: 1053102). Variants that disrupt the consensus splice site are a relatively common cause of aberrant splicing (PMID: 17576681, 9536098). Algorithms developed to predict the effect of sequence changes on RNA splicing suggest that this variant is not likely to affect RNA splicing. In summary, the available evidence is currently insufficient to determine the role of this variant in disease. Therefore, it has been classified as a Variant of Uncertain Significance.

Literature cited by the submitters: PubMed 17576681; PubMed 9536098.